The following is an entry in ClinVar:

ClinVar aggregate classification (germline): Pathogenic. Review status: criteria provided, multiple submitters, no conflicts (2 of 4 stars). 34 submissions from 33 submitters: Pathogenic (29). 5 of the submissions do not count toward it. Last evaluated 2025-09-25.

Conditions:
Neurodevelopmental disorder. Identifiers: MedGen C1535926, MeSH D065886, MONDO:0700092.
MAGEL2-related disorder. Also called: MAGEL2-related condition.
Schaaf-Yang syndrome (SHFYNG). Also called: MAGEL2-related Prader-Willi-like syndrome; Arthrogryposis, distal, with hypopituitarism, intellectual disability, and facial anomalies. Identifiers: Orphanet 398069, MedGen C5575066, MONDO:0014243, OMIM 615547.
Prader-Willi-like syndrome. Identifiers: Orphanet 398073, MedGen C3809877, MONDO:0018354.
Inborn genetic diseases. Identifiers: MedGen C0950123, MeSH D030342.
Neurodevelopmental delay. Identifiers: MedGen C4022738, HP:0012758.

Submissions 1 to 10 of 34:

Variantyx, Inc.
Classification: Pathogenic for Schaaf-Yang syndrome. Last evaluated: 2025-09-25. Review status: criteria provided, single submitter. Criteria: Variantyx Assertion Criteria 2022. Collection method: clinical testing. Allele origin: de novo. Inheritance: Autosomal dominant inheritance. Affected: yes.
Comment: This is a frameshift variant in the MAGEL2 gene (OMIM: 605283). Pathogenic variants in this gene have been associated with autosomal dominant Schaaf-Yang syndrome. This variant introduces a premature termination codon in exon 1 out of 1 and is expected to result in loss of function, which is a known disease mechanism for MAGEL2 in this disorder (PMID: 27195816, 29599419) (PVS1). It has been reported in at least two unrelated affected individuals (PMID: 37404980, 27195816) (PS4_Moderate) and observed to segregate with disease in at least five individuals from two families (PMID: 27195816, 36836222) (PP1). The alteration likely occurred de novo in individuals reported in the published literature; however, the possibility of parental germline mosaicism cannot be excluded (PMID: 32702813, 37404980) (PS2). This variant has a 0.0001% maximum allele frequency in non-founder control populations (PM2). Based on the current evidence, this variant is classified as pathogenic for autosomal dominant Schaaf-Yang syndrome. MAGEL2 is a maternally imprinted, single-exon gene located within the Prader-Willi critical region. Pathogenic variants cause disease only when present on the paternal allele. Since the parental origin of this variant is not known, it is uncertain whether this variant will cause disease in the proband.

Institute of Human Genetics, Heidelberg University
Classification: Pathogenic for Schaaf-Yang syndrome. Last evaluated: 2025-07-31. Review status: criteria provided, single submitter. Criteria: ACMG Guidelines, 2015. Collection method: clinical testing. Allele origin: unknown. Affected: yes. Observed: 1 variant allele.
Comment: PVS1_strong, PS3_strong, PS4_mod, PM2_supp

3billion
Classification: Pathogenic for Schaaf-Yang syndrome. Last evaluated: 2025-05-13. Review status: criteria provided, single submitter. Criteria: ACMG Guidelines, 2015. Collection method: clinical testing. Allele origin: germline. Affected: yes.
Comment: The variant is observed at an extremely low frequency in the gnomAD v4.1.0 dataset (total allele frequency: <0.001%). Predicted Consequence/Location: Frameshift: predicted to result in a loss or disruption of normal protein function through protein truncation. The predicted truncated protein may be shortened by more than 10%. The variant has been observed in multiple (>3) similarly affected unrelated individuals (PMID: 25473036, 27195816, 27632685, 30302899). The variant has been previously reported as assumed (i.e. paternity and maternity not confirmed) de novo in at least one similarly affected unrelated individual (3billion dataset). The variant has been reported at least twice as pathogenic with clinical assertions and evidence for the classification (ClinVar ID: VCV000190122 /PMID: 25473036 /3billion dataset). Therefore, this variant is classified as Pathogenic according to the recommendation of ACMG/AMP guideline.

Labcorp Genetics (formerly Invitae), Labcorp
Classification: Pathogenic. Last evaluated: 2025-04-26. Review status: criteria provided, single submitter. Criteria: Invitae Variant Classification Sherloc (09022015). Collection method: clinical testing. Allele origin: germline.
Comment: This sequence change creates a premature translational stop signal (p.Gln666Profs*47) in the MAGEL2 gene. While this is not anticipated to result in nonsense mediated decay, it is expected to disrupt the last 584 amino acid(s) of the MAGEL2 protein. The frequency data for this variant in the population databases is considered unreliable, as metrics indicate poor data quality at this position in the gnomAD database. This premature translational stop signal has been observed in individual(s) with Schaaf-Yang syndrome (PMID: 25473036, 27195816, 27632685). In at least one individual the variant was observed to be de novo. It has also been observed to segregate with disease in related individuals. ClinVar contains an entry for this variant (Variation ID: 190122). For these reasons, this variant has been classified as Pathogenic.

Dasa
Classification: Pathogenic. Last evaluated: 2024-11-05. Review status: criteria provided, single submitter. Criteria: DASA Assertion Criteria. Collection method: clinical testing. Allele origin: germline.
Comment: NM_019066.5(MAGEL2):c.1996dup (p.Gln666Profs*47) is a frameshift variant in MAGEL2 predicted to alter the reading frame and introduce a premature termination codon and is predicted to result in an absent or altered protein product. Loss of function is an established disease mechanism for MAGEL2-associated disorders. This variant has been recurrently observed in individuals with MAGEL2-related disorders (PMID: 31397880; PMID: 37533374; PMID: 27632685). Also, this variant is rare in population databases. Based on the currently available evidence, this variant is classified as pathogenic.

Victorian Clinical Genetics Services, Murdoch Childrens Research Institute
Classification: Pathogenic for Schaaf-Yang syndrome. Last evaluated: 2024-09-20. Review status: criteria provided, single submitter. Criteria: ACMG Guidelines, 2015. Collection method: clinical testing. Allele origin: germline. Inheritance: Autosomal dominant inheritance. Affected: yes.
Comment: Based on the classification scheme VCGS_Germline_v1.3.4, this variant is classified as Pathogenic. Following criteria are met: 0102 - Loss of function is a known mechanism of disease in this gene and is associated with Schaaf-Yang syndrome (MIM#615547). Multiple premature termination codon variants have previously been reported in this gene (ClinVar, DECIPHER) . (I) 0107 - This gene is associated with autosomal dominant disease. (I) 0113 - This gene is known to be maternally imprinted (OMIM). (I) 0204 - Variant is predicted to result in a truncated protein (premature termination codon is NOT located at least 54 nucleotides upstream of the final exon-exon junction) with at least 1/3 of the protein sequence affected. (SP) 0251 - This variant is heterozygous. (I) 0302 - Variant is present in gnomAD (v2) <0.001 for a dominant condition (4 heterozygotes, 0 homozygotes). (SP) 0309 - An alternative truncating variant at the same position has been observed in gnomAD (v2) Gln666Serfs*36 (3 heterozygotes, 0 homozygotes). (I) 0602 - Variant is located in a hotspot region or cluster of pathogenic variants (PMID 27195816). (SP) 0701 - Other PTC variants comparable to the one identified in this case have very strong previous evidence for pathogenicity (DECIPHER, ClinVar). (SP) 0801 - This variant has strong previous evidence of pathogenicity in unrelated individuals. This variant has been reported as pathogenic in clinical cases (ClinVar; PMID 27195816, PMID 32021601, PMID 33371171). (SP) Legend: (SP) - Supporting pathogenic, (I) - Information, (SB) - Supporting benign

Neuberg Centre For Genomic Medicine, NCGM
Classification: Pathogenic for Schaaf-Yang syndrome. Last evaluated: 2024-02-01. Review status: criteria provided, single submitter. Criteria: ACMG Guidelines, 2015. Collection method: clinical testing. Allele origin: germline. Inheritance: Autosomal dominant inheritance.
Comment: The frameshift c.1996dup(p.Gln666ProfsTer47) variant in MAGEL2 gene has been reported previously in multiple individuals affected with Schaaf-Yang syndrome (Aten E, et al., 2016; Fountain MD, et al., 2017; Soden SE, et al., 2014). This variant has been reported to segregate with disease in related individuals. The p.Gln666ProfsTer47 variant is present with allele frequency of 0.002% in gnomAD Exomes. This variant has been submitted to the ClinVar database as Pathogenic (multiple submissions). This variant causes a frameshift starting with codon Glutamine 666, changes this amino acid to Proline residue, and creates a premature Stop codon at position 47 of the new reading frame, denoted p.Gln666ProfsTer47. This variant is predicted to cause loss of normal protein function through protein truncation. Loss of function variants have been previously reported to be disease causing. For these reasons, this variant has been classified as Pathogenic.

Institute of Human Genetics, University of Leipzig Medical Center
Classification: Pathogenic for Schaaf-Yang syndrome. Last evaluated: 2024-01-05. Review status: criteria provided, single submitter. Criteria: ACMG Guidelines, 2015. Collection method: clinical testing. Allele origin: unknown. Inheritance: Autosomal dominant inheritance. Affected: yes.
Comment: Criteria applied: PVS1_STR,PS2,PS4

Daryl Scott Lab, Baylor College of Medicine
Classification: Pathogenic for Schaaf-Yang syndrome. Last evaluated: 2023-11-10. Review status: criteria provided, single submitter. Criteria: ACMG Guidelines, 2015. Collection method: clinical testing. Allele origin: paternal. Affected: yes.

Baylor Genetics
Classification: Pathogenic for Schaaf-Yang syndrome. Last evaluated: 2023-09-14. Review status: criteria provided, single submitter. Criteria: ACMG Guidelines, 2015. Collection method: clinical testing. Allele origin: unknown.

NM_019066.5(MAGEL2):c.1996dup (p.Gln666fs)

Gene: MAGEL2 (MAGE family member L2; minus strand). Cytogenetic location: 15q11.2.
Variant type: Duplication.
Coding change: c.1996dup on transcript NM_019066.5 (MANE Select); coding-DNA position 1996, one base duplicated (C; older notation c.1996dupC).
Protein change: p.Gln666fs; shifts the reading frame from glutamine 666.
Molecular consequence: frameshift variant.
Genome position (GRCh38, 1-based): chr15:23,645,747, G duplicated on the plus strand (C on the coding strand, the reverse complement: MAGEL2 is on the minus strand); the first of 7 consecutive G bases (chr15:23,645,747-23,645,753); duplicating any one gives the same sequence. VCF-style (leftmost placement, unchanged base first): chr15-23645746-T-TG. GRCh37 (hg19) VCF-style: chr15-23890893-T-TG.
Other names: c.1996dupC (NM_019066.5, NM_019066.4); short protein forms Q666fs.
Identifiers: ClinVar variation 190122 (VCV000190122.91), dbSNP rs770374710, ClinGen allele CA199566.